The following is an entry in ClinVar:

ClinVar aggregate classification (germline): Uncertain significance (1 of 4 stars; one submission).

Conditions:
Inborn genetic diseases. Identifiers: MedGen C0950123, MeSH D030342.

Submission:

Ambry Genetics
Classification: Uncertain significance for Inborn genetic diseases. Last evaluated: 2022-02-15. Review status: criteria provided, single submitter. Criteria: Ambry Variant Classification Scheme 2023. Collection method: clinical testing. Allele origin: germline.
Comment: The c.2050_2052dupGTA (p.V684dup) alteration is located in exon 5 (coding exon 1) of the HIVEP2 gene. The alteration consists of an in-frame duplication of 3 nucleotides from position 2050 to 2052, resulting in the duplication of <NA> residues. Based on insufficient or conflicting evidence, the clinical significance of this alteration remains unclear.

NM_006734.4(HIVEP2):c.2050_2052dup (p.Val684_Pro685insVal)

Gene: HIVEP2 (HIVEP zinc finger 2; minus strand). Cytogenetic location: 6q24.2.
Variant type: Duplication.
Coding change: c.2050_2052dup on transcript NM_006734.4 (MANE Select); coding-DNA positions 2050 to 2052, 3 bases duplicated (GTA; older notation c.2050_2052dupGTA).
Protein change: p.Val684_Pro685insVal.
Molecular consequence: inframe insertion.
Genome position (GRCh38, 1-based): chr6:142,772,687-142,772,689, TAC duplicated on the plus strand (GTA on the coding strand, the reverse complement: HIVEP2 is on the minus strand); duplicating any 3 consecutive bases within chr6:142,772,687-142,772,690 gives the same sequence; the c. name uses the placement nearest the transcript's 3' end. VCF-style (leftmost placement, unchanged base first): chr6-142772686-G-GTAC. GRCh37 (hg19) VCF-style: chr6-143093823-G-GTAC.
Identifiers: ClinVar variation 2270808 (VCV002270808.2), dbSNP rs2482842881, ClinGen allele CA2580075152.